The following is an entry in ClinVar:

ClinVar aggregate classification (germline): Pathogenic/Likely pathogenic. Review status: criteria provided, multiple submitters, no conflicts (2 of 4 stars). 2 submissions from 2 submitters: Pathogenic (1); Likely pathogenic (1). Last evaluated 2026-02-11.

Conditions:
Hereditary insensitivity to pain with anhidrosis (CIPA). Also called: INSENSITIVITY TO PAIN, CONGENITAL, WITH ANHIDROSIS; FAMILIAL DYSAUTONOMIA, TYPE II; NEUROPATHY, CONGENITAL SENSORY, WITH ANHIDROSIS; HSAN Type IV; hereditary sensory and autonomic neuropathy type 4; NTRK1 Congenital Insensitivity to Pain with Anhidrosis. Identifiers: Orphanet 642, MedGen C0020074, MONDO:0009746, OMIM 256800.

Allele frequency attached by ClinVar (database versions not stated): TOPMed 0.00002; ExAC 0.00001; gnomAD 0.00001.

Submissions (2):

GeneDx
Classification: Likely pathogenic. Last evaluated: 2026-02-11. Review status: criteria provided, single submitter. Criteria: GeneDx Variant Classification Process June 2021. Collection method: clinical testing. Allele origin: germline.
Comment: Frameshift variant predicted to result in protein truncation or nonsense mediated decay in a gene for which loss of function is a known mechanism of disease; Not observed at significant frequency in large population cohorts (gnomAD); Has not been previously published as pathogenic or benign to our knowledge

Labcorp Genetics (formerly Invitae), Labcorp
Classification: Pathogenic for Hereditary insensitivity to pain with anhidrosis. Last evaluated: 2024-07-31. Review status: criteria provided, single submitter. Criteria: Invitae Variant Classification Sherloc (09022015). Collection method: clinical testing. Allele origin: germline.
Comment: This sequence change creates a premature translational stop signal (p.Trp315Cysfs*8) in the NTRK1 gene. It is expected to result in an absent or disrupted protein product. Loss-of-function variants in NTRK1 are known to be pathogenic (PMID: 10982191). This variant is present in population databases (rs757012840, gnomAD 0.007%). This variant has not been reported in the literature in individuals affected with NTRK1-related conditions. ClinVar contains an entry for this variant (Variation ID: 2183031). For these reasons, this variant has been classified as Pathogenic.

Literature cited by the submitters: PubMed 10982191 (cited by Labcorp Genetics (formerly Invitae), Labcorp).

NM_002529.4(NTRK1):c.945_949del (p.Trp315fs)

Gene: NTRK1 (neurotrophic receptor tyrosine kinase 1; plus strand). Cytogenetic location: 1q23.1.
Variant type: Deletion.
Coding change: c.945_949del on transcript NM_002529.4 (MANE Select); coding-DNA positions 945 to 949, 5 bases deleted (GCTCT; older notation c.945_949delGCTCT).
Protein change: p.Trp315fs; shifts the reading frame from tryptophan 315.
Molecular consequence: frameshift variant.
Genome position (GRCh38, 1-based): chr1:156,873,727-156,873,731, GCTCT deleted. VCF-style (leftmost placement, unchanged base first): chr1-156873726-GGCTCT-G. GRCh37 (hg19) VCF-style: chr1-156843518-GGCTCT-G.
Other names: c.945_949delGCTCT, p.Trp315Cysfs (NM_001007204.1, NM_001012331.1); c.855_859del, p.Trp285fs (NM_001007792.1); c.945_949del, p.Trp315fs (NM_001012331.2); c.945_949del (NM_001012331.1); short protein forms W285fs, W315fs.
Identifiers: ClinVar variation 2183031 (VCV002183031.6), dbSNP rs757012840, ClinGen allele CA1169150.
Genomic context (GRCh38, chr1:156,873,726, plus strand): 5'-AGATGCACCACTGGTGCATCCCCTTCTCTGTGGATGGGCAGCCGGCACCGTCTCTGCGCT[GGCTCT>G]TCAATGGCTCCGTGCTCAATGAGACCAGCTTCATCTTCACTGAGTTCCTGGAGCCGGCAG-3'